The following is an entry in ClinVar:

NM_001376.5(DYNC1H1):c.4395+3G>A

Gene: DYNC1H1 (dynein cytoplasmic 1 heavy chain 1; plus strand). Cytogenetic location: 14q32.31.
Variant type: single nucleotide variant.
Coding change: c.4395+3G>A on transcript NM_001376.5 (MANE Select); 3 bases into the intron after coding-DNA position 4395, G replaced by A.
Molecular consequence: intron variant.
Genome position (GRCh38, 1-based): chr14:102,001,357, G>A. VCF-style: chr14-102001357-G-A. GRCh37 (hg19) VCF-style: chr14-102467694-G-A.
Identifiers: ClinVar variation 4978273 (VCV004978273.1).

ClinVar aggregate classification (germline): Likely benign (1 of 4 stars; one submission).

Conditions:
DYNC1H1-related disorder. Also called: DYNC1H1-related disorders; DYNC1H1-related condition. Identifiers: MedGen CN381529.

gnomAD v4.1: 8 of 1,614,008 alleles (0.0005%); highest among the groups gnomAD compares: Admixed American, 0.0033%; no homozygotes.

Submission:

PreventionGenetics, part of Exact Sciences
Classification: Likely benign for DYNC1H1-related condition. Last evaluated: 2025-06-06. Review status: criteria provided, single submitter. Criteria: ACMG Guidelines, 2015. Collection method: clinical testing. Allele origin: germline.
Comment: This variant is classified as likely benign based on ACMG/AMP sequence variant interpretation guidelines (Richards et al. 2015 PMID: 25741868, with internal and published modifications).